The following is an entry in ClinVar:

NM_014363.6(SACS):c.3814G>A (p.Ala1272Thr)

Gene: SACS (sacsin molecular chaperone; minus strand). Cytogenetic location: 13q12.12.
Variant type: single nucleotide variant.
Coding change: c.3814G>A on transcript NM_014363.6 (MANE Select); coding-DNA position 3814, G replaced by A.
Protein change: p.Ala1272Thr; replaces alanine 1272 with threonine.
Molecular consequence: missense variant.
Genome position (GRCh38, 1-based): chr13:23,340,062, C>T on the plus strand (G>A on the coding strand, the complement: SACS is on the minus strand). VCF-style: chr13-23340062-C-T. GRCh37 (hg19) VCF-style: chr13-23914201-C-T.
Other names: c.3373G>A, p.Ala1125Thr (NM_001278055.2); short protein forms A1125T, A1272T.
Identifiers: ClinVar variation 1986001 (VCV001986001.3), dbSNP rs2542290220, ClinGen allele CA387533538.

ClinVar aggregate classification (germline): Uncertain significance (1 of 4 stars; one submission).

Conditions:
Spastic paraplegia. Identifiers: MedGen C0037772, HP:0001258.

Allele frequency attached by ClinVar (database versions not stated): gnomAD exomes below 0.00001.
gnomAD v4.1: 2 of 1,613,984 alleles (0.00012%); highest among the groups gnomAD compares: Non-Finnish European, 0.00017%; no homozygotes.

Submission:

Labcorp Genetics (formerly Invitae), Labcorp
Classification: Uncertain significance for Spastic paraplegia. Last evaluated: 2024-10-31. Review status: criteria provided, single submitter. Criteria: Invitae Variant Classification Sherloc (09022015). Collection method: clinical testing. Allele origin: germline.
Comment: This sequence change replaces alanine, which is neutral and non-polar, with threonine, which is neutral and polar, at codon 1272 of the SACS protein (p.Ala1272Thr). This variant is not present in population databases (gnomAD no frequency). This variant has not been reported in the literature in individuals affected with SACS-related conditions. ClinVar contains an entry for this variant (Variation ID: 1986001). Invitae Evidence Modeling of protein sequence and biophysical properties (such as structural, functional, and spatial information, amino acid conservation, physicochemical variation, residue mobility, and thermodynamic stability) indicates that this missense variant is not expected to disrupt SACS protein function with a negative predictive value of 95%. In summary, the available evidence is currently insufficient to determine the role of this variant in disease. Therefore, it has been classified as a Variant of Uncertain Significance.